The following is an entry in ClinVar:

ClinVar aggregate classification (germline): Likely pathogenic (1 of 4 stars; one submission).

Conditions:
Muscular dystrophy-dystroglycanopathy (congenital with brain and eye anomalies), type A3. Also called: Muscular dystrophy-dystroglycanopathy (congenital with brain and eye anomalies), type A, 3; Congenital muscular dystrophy-dystroglycanopathy with brain and eye anomalies, type A3; WALKER-WARBURG SYNDROME OR MUSCLE-EYE-BRAIN DISEASE, POMGNT1-RELATED. Identifiers: MedGen C3151519, MONDO:0009667, OMIM 253280.

Submission:

Laboratorio de Genetica e Diagnostico Molecular, Hospital Israelita Albert Einstein
Classification: Likely pathogenic for Muscular dystrophy-dystroglycanopathy (congenital with brain and eye anomalies), type A3. Last evaluated: 2022-02-14. Review status: criteria provided, single submitter. Criteria: ACMG Guidelines, 2015. Collection method: clinical testing. Allele origin: germline. Affected: yes.
Comment: ACMG classification criteria: PVS1 very strong, PM2 moderate

NM_017739.4(POMGNT1):c.246_262dup (p.Pro88fs)

Gene: POMGNT1 (protein O-linked mannose N-acetylglucosaminyltransferase 1 (beta 1,2-); minus strand). Cytogenetic location: 1p34.1.
Variant type: Duplication.
Coding change: c.246_262dup on transcript NM_017739.4 (MANE Select); coding-DNA positions 246 to 262, 17 bases duplicated (AGGCCGCCTGGAGCCCC).
Protein change: p.Pro88fs; shifts the reading frame from proline 88.
Molecular consequence: frameshift variant. On other transcripts: 5 prime UTR variant (1).
Genome position (GRCh38, 1-based): chr1:46,196,823-46,196,839, GGGGCTCCAGGCGGCCT duplicated on the plus strand (AGGCCGCCTGGAGCCCC on the coding strand, the reverse complement: POMGNT1 is on the minus strand). VCF-style (leftmost placement, unchanged base first): chr1-46196822-G-GGGGGCTCCAGGCGGCCT. GRCh37 (hg19) VCF-style: chr1-46662494-G-GGGGGCTCCAGGCGGCCT.
Other names: c.246_262dup, p.Pro88fs (NM_001243766.2, NM_001410783.1); c.180_196dup, p.Pro66Glnfs (NM_001290129.3); c.-184_-168dup (NM_001290130.2); short protein forms P66fs, P88fs.
Identifiers: ClinVar variation 1683691 (VCV001683691.2), dbSNP rs2148217590, ClinGen allele CA2573132047.